The following is an entry in ClinVar:

NM_000168.6(GLI3):c.3362_3363delinsCG (p.Lys1121Thr)

Gene: GLI3 (GLI family zinc finger 3; minus strand). Cytogenetic location: 7p14.1.
Variant type: Indel.
Coding change: c.3362_3363delinsCG on transcript NM_000168.6 (MANE Select); coding-DNA positions 3362 to 3363, AA replaced by CG.
Protein change: p.Lys1121Thr; replaces lysine 1121 with threonine.
Molecular consequence: missense variant.
Genome position (GRCh38, 1-based): chr7:41,965,710-41,965,711, TT replaced by CG on the plus strand (AA replaced by CG on the coding strand, the reverse complement: GLI3 is on the minus strand). VCF-style: chr7-41965710-TT-CG. GRCh37 (hg19) VCF-style: chr7-42005308-TT-CG.
Other names: short protein forms K1121T.
Identifiers: ClinVar variation 1042763 (VCV001042763.7), dbSNP rs1787150394, ClinGen allele CA1702660899.
Genomic context (GRCh38, chr7:41,965,710, plus strand): 5'-CTGGCCAGCGTGGCTGTCTGGCAGCCCGGGCGCGTCAAAGTCACCGGGCCCGTGGGGCAC[TT>CG]TGCTGTCGTCCGGGAGGGCGCTGGGGAAGTGCTGCTCGTACCCTGCTTGGTTCTGGGAAT-3'
Protein context (NP_000159.3, residues 1111-1131): HFPSALPDDS[Lys1121Thr]VPHGPGDFDA

ClinVar aggregate classification (germline): Uncertain significance (1 of 4 stars; one submission).

Conditions:
Greig cephalopolysyndactyly syndrome (GCPS). Also called: POLYSYNDACTYLY WITH PECULIAR SKULL SHAPE; GLI3-Related Greig Cephalopolysyndactyly Syndrome; Greig syndrome. Identifiers: Orphanet 380, MedGen C0265306, MONDO:0008287, OMIM 175700.
Pallister-Hall syndrome (PHS). Also called: GLI3-Related Pallister-Hall Syndrome; HYPOTHALAMIC HAMARTOBLASTOMA, HYPOPITUITARISM, IMPERFORATE ANUS, AND POSTAXIAL POLYDACTYLY. Identifiers: Orphanet 672, MedGen C0265220, MONDO:0007804, OMIM 146510.

Submission:

Labcorp Genetics (formerly Invitae), Labcorp
Classification: Uncertain significance for Pallister-Hall syndrome; Greig cephalopolysyndactyly syndrome. Last evaluated: 2020-03-26. Review status: criteria provided, single submitter. Criteria: Invitae Variant Classification Sherloc (09022015). Collection method: clinical testing. Allele origin: germline.
Comment: In summary, the available evidence is currently insufficient to determine the role of this variant in disease. Therefore, it has been classified as a Variant of Uncertain Significance. Algorithms developed to predict the effect of sequence changes on RNA splicing suggest that this variant may create or strengthen a splice site, but this prediction has not been confirmed by published transcriptional studies. Algorithms developed to predict the effect of missense changes on protein structure and function are either unavailable or do not agree on the potential impact of this missense change (SIFT: "Not Available"; PolyPhen-2: "Benign"; Align-GVGD: "Not Available"). This variant has not been reported in the literature in individuals with GLI3-related conditions. This variant is not present in population databases (ExAC no frequency). This sequence change replaces lysine with threonine at codon 1121 of the GLI3 protein (p.Lys1121Thr). The lysine residue is highly conserved and there is a moderate physicochemical difference between lysine and threonine.